The following is an entry in ClinVar:

ClinVar aggregate classification (germline): Uncertain significance. Review status: criteria provided, multiple submitters, no conflicts (2 of 4 stars). 3 submissions from 2 submitters: Uncertain significance (3). Last evaluated 2025-09-22.

Conditions:
Inborn genetic diseases. Identifiers: MedGen C0950123, MeSH D030342.
Epidermodysplasia verruciformis, susceptibility to, 1. Identifiers: Orphanet 302, MedGen C4722564, MONDO:0100045, OMIM 226400.
Epidermodysplasia verruciformis, susceptibility to, 2. Also called: Epidermodysplasia verruciformis 2. Identifiers: MedGen C4722258, MONDO:0032614, OMIM 618231.

Allele frequency attached by ClinVar (database versions not stated): gnomAD 0.00001; TOPMed 0.00001.

Submissions (3):

Ambry Genetics
Classification: Uncertain significance for Inborn genetic diseases. Last evaluated: 2025-09-22. Review status: criteria provided, single submitter. Criteria: Ambry Variant Classification Scheme 2023. Collection method: clinical testing. Allele origin: germline.

Center for Genomics, Ann and Robert H. Lurie Children's Hospital of Chicago
Classification: Uncertain significance for Epidermodysplasia verruciformis, susceptibility to, 2. Last evaluated: 2021-03-30. Review status: criteria provided, single submitter. Criteria: ACMG Guidelines, 2015. Collection method: clinical testing. Allele origin: germline.
Comment: TMC8 NM_152468.4 exon12 p.Ile509Val (c.1525A>G): This variant has not been reported in the literature but is present in 0.01% (1/16178) of African alleles in in the Genome Aggregation Database. This variant amino acid Valine (Val) is present in several species; this suggests that this variant may not impact the protein. Additional computational prediction tools do not suggest an impact. In summary, data on this variant is insufficient for disease classification. Therefore, the clinical significance of this variant is uncertain.

Center for Genomics, Ann and Robert H. Lurie Children's Hospital of Chicago
Classification: Uncertain significance for Epidermodysplasia verruciformis, susceptibility to, 1. Last evaluated: 2018-12-03. Review status: criteria provided, single submitter. Criteria: ACMG Guidelines, 2015. Collection method: clinical testing. Allele origin: germline.
Comment: the same text as in the submission from Center for Genomics, Ann and Robert H. Lurie Children's Hospital of Chicago above.

NM_152468.5(TMC8):c.1525A>G (p.Ile509Val)

Genes: TMC8 (transmembrane channel like 8; plus strand), LOC130061795 (ATAC-STARR-seq lymphoblastoid active region 12864; plus strand). Cytogenetic location: 17q25.3.
Variant type: single nucleotide variant.
Coding change: c.1525A>G on transcript NM_152468.5 (MANE Select); coding-DNA position 1525, A replaced by G.
Protein change: p.Ile509Val; replaces isoleucine 509 with valine.
Molecular consequence: missense variant.
Genome position (GRCh38, 1-based): chr17:78,138,180, A>G. VCF-style: chr17-78138180-A-G. GRCh37 (hg19) VCF-style: chr17-76134261-A-G.
Other names: c.1525A>G (NM_152468.4); short protein forms I509V.
Identifiers: ClinVar variation 626189 (VCV000626189.3), dbSNP rs1002160081, ClinGen allele CA294367002.